The following is an entry in ClinVar:

ClinVar aggregate classification (germline): Uncertain significance (1 of 4 stars; one submission).

Conditions:
Left ventricular noncompaction 8 (LVNC8). Identifiers: Orphanet 154, Orphanet 54260, MedGen C3809288, MONDO:0014152, OMIM 615373.

gnomAD v4.1: 5 of 1,613,470 alleles (0.00031%); highest among the groups gnomAD compares: African/African-American, 0.0027%; no homozygotes.

Submission:

Labcorp Genetics (formerly Invitae), Labcorp
Classification: Uncertain significance for Left ventricular noncompaction 8. Last evaluated: 2025-10-19. Review status: criteria provided, single submitter. Criteria: Invitae Variant Classification Sherloc (09022015). Collection method: clinical testing. Allele origin: germline.
Comment: This sequence change replaces methionine, which is neutral and non-polar, with valine, which is neutral and non-polar, at codon 598 of the PRDM16 protein (p.Met598Val). This variant is present in population databases (rs752353194, gnomAD 0.008%). This variant has not been reported in the literature in individuals affected with PRDM16-related conditions. An algorithm developed to predict the effect of missense changes on protein structure and function outputs the following: PolyPhen-2: "Benign". The valine amino acid residue is found in multiple mammalian species, which suggests that this missense change does not adversely affect protein function. In summary, the available evidence is currently insufficient to determine the role of this variant in disease. Therefore, it has been classified as a Variant of Uncertain Significance.

NM_022114.4(PRDM16):c.1792A>G (p.Met598Val)

Gene: PRDM16 (PR/SET domain 16; plus strand). Cytogenetic location: 1p36.32.
Variant type: single nucleotide variant.
Coding change: c.1792A>G on transcript NM_022114.4 (MANE Select); coding-DNA position 1792, A replaced by G.
Protein change: p.Met598Val; replaces methionine 598 with valine.
Molecular consequence: missense variant.
Genome position (GRCh38, 1-based): chr1:3,411,989, A>G. VCF-style: chr1-3411989-A-G. GRCh37 (hg19) VCF-style: chr1-3328553-A-G.
Other names: c.1792A>G, p.Met598Val (NM_199454.3); short protein forms M598V.
Identifiers: ClinVar variation 4777560 (VCV004777560.1).